The following is an entry in ClinVar:

NM_000208.4(INSR):c.2259G>C (p.Glu753Asp)

Gene: INSR (insulin receptor; minus strand). Cytogenetic location: 19p13.2.
Variant type: single nucleotide variant.
Coding change: c.2259G>C on transcript NM_000208.4 (MANE Select); coding-DNA position 2259, G replaced by C.
Protein change: p.Glu753Asp; replaces glutamic acid 753 with aspartic acid.
Molecular consequence: missense variant. On other transcripts: intron variant (1).
Genome position (GRCh38, 1-based): chr19:7,150,505, C>G on the plus strand (G>C on the coding strand, the complement: INSR is on the minus strand). VCF-style: chr19-7150505-C-G. GRCh37 (hg19) VCF-style: chr19-7150516-C-G.
Other names: c.2231+2221G>C (NM_001079817.3); short protein forms E753D.
Identifiers: ClinVar variation 3607695 (VCV003607695.2).

ClinVar aggregate classification (germline): Uncertain significance (1 of 4 stars; one submission).

gnomAD v4.1: 4 of 1,614,064 alleles (0.00025%); highest among the groups gnomAD compares: African/African-American, 0.004%; no homozygotes.

Submission:

Labcorp Genetics (formerly Invitae), Labcorp
Classification: Uncertain significance. Last evaluated: 2024-02-10. Review status: criteria provided, single submitter. Criteria: Invitae Variant Classification Sherloc (09022015). Collection method: clinical testing. Allele origin: germline.
Comment: This sequence change replaces glutamic acid, which is acidic and polar, with aspartic acid, which is acidic and polar, at codon 753 of the INSR protein (p.Glu753Asp). This variant is present in population databases (no rsID available, gnomAD 0.007%). This variant has not been reported in the literature in individuals affected with INSR-related conditions. Advanced modeling of protein sequence and biophysical properties (such as structural, functional, and spatial information, amino acid conservation, physicochemical variation, residue mobility, and thermodynamic stability) performed at Invitae indicates that this missense variant is not expected to disrupt INSR protein function with a negative predictive value of 95%. In summary, the available evidence is currently insufficient to determine the role of this variant in disease. Therefore, it has been classified as a Variant of Uncertain Significance.